The following is an entry in ClinVar:

NM_001205293.3(CACNA1E):c.6289G>A (p.Val2097Ile)

Gene: CACNA1E (calcium voltage-gated channel subunit alpha1 E; plus strand). Cytogenetic location: 1q25.3.
Variant type: single nucleotide variant.
Coding change: c.6289G>A on transcript NM_001205293.3 (MANE Select); coding-DNA position 6289, G replaced by A.
Protein change: p.Val2097Ile; replaces valine 2097 with isoleucine.
Molecular consequence: missense variant.
Genome position (GRCh38, 1-based): chr1:181,796,748, G>A. VCF-style: chr1-181796748-G-A. GRCh37 (hg19) VCF-style: chr1-181765884-G-A.
Other names: c.6160G>A, p.Val2054Ile (NM_000721.4); c.6103G>A, p.Val2035Ile (NM_001205294.2); short protein forms V2035I, V2054I, V2097I.
Identifiers: ClinVar variation 3361004 (VCV003361004.1).

ClinVar aggregate classification (germline): Uncertain significance (1 of 4 stars; one submission).

Submission:

GeneDx
Classification: Uncertain significance. Last evaluated: 2023-07-11. Review status: criteria provided, single submitter. Criteria: GeneDx Variant Classification Process June 2021. Collection method: clinical testing. Allele origin: germline. Affected: yes.
Comment: Not observed at significant frequency in large population cohorts (gnomAD); In silico analysis supports that this missense variant does not alter protein structure/function; Has not been previously published as pathogenic or benign to our knowledge